The following is an entry in ClinVar:

ClinVar aggregate classification (germline): Uncertain significance. Review status: criteria provided, multiple submitters, no conflicts (2 of 4 stars). 2 submissions from 2 submitters: Uncertain significance (2). Last evaluated 2022-10-04.

Conditions:
Congenital stationary night blindness 1E. Also called: Night blindness, congenital stationary (complete), 1E, autosomal recessive. Identifiers: Orphanet 215, MedGen C3281215, MONDO:0013807, OMIM 614565.

Allele frequency attached by ClinVar (database versions not stated): TOPMed 0.00001; gnomAD 0.00003 and 0.00005; gnomAD exomes 0.00004 and 0.00008; ExAC 0.00009.

Submissions (2):

Labcorp Genetics (formerly Invitae), Labcorp
Classification: Uncertain significance. Last evaluated: 2022-10-04. Review status: criteria provided, single submitter. Criteria: Invitae Variant Classification Sherloc (09022015). Collection method: clinical testing. Allele origin: germline.
Comment: This sequence change replaces arginine, which is basic and polar, with cysteine, which is neutral and slightly polar, at codon 778 of the GPR179 protein (p.Arg778Cys). This variant is present in population databases (rs759512521, gnomAD 0.04%). This variant has not been reported in the literature in individuals affected with GPR179-related conditions. ClinVar contains an entry for this variant (Variation ID: 323011). Algorithms developed to predict the effect of missense changes on protein structure and function output the following: SIFT: "Deleterious"; PolyPhen-2: "Benign"; Align-GVGD: "Class C0". The cysteine amino acid residue is found in multiple mammalian species, which suggests that this missense change does not adversely affect protein function. In summary, the available evidence is currently insufficient to determine the role of this variant in disease. Therefore, it has been classified as a Variant of Uncertain Significance.

Illumina Laboratory Services, Illumina
Classification: Uncertain significance for Congenital stationary night blindness 1E. Last evaluated: 2018-01-13. Review status: criteria provided, single submitter. Criteria: ICSL Variant Classification Criteria 13 December 2019. Collection method: clinical testing. Allele origin: germline.

NM_001004334.4(GPR179):c.2332C>T (p.Arg778Cys)

Gene: GPR179 (G protein-coupled receptor 179; minus strand). Cytogenetic location: 17q12.
Variant type: single nucleotide variant.
Coding change: c.2332C>T on transcript NM_001004334.4 (MANE Select); coding-DNA position 2332, C replaced by T.
Protein change: p.Arg778Cys; replaces arginine 778 with cysteine.
Molecular consequence: missense variant.
Genome position (GRCh38, 1-based): chr17:38,331,237, G>A on the plus strand (C>T on the coding strand, the complement: GPR179 is on the minus strand). VCF-style: chr17-38331237-G-A. GRCh37 (hg19) VCF-style: chr17-36487120-G-A.
Other names: short protein forms R778C.
Identifiers: ClinVar variation 323011 (VCV000323011.6), dbSNP rs759512521, ClinGen allele CA10639554.